The following is an entry in ClinVar:

ClinVar aggregate classification (germline): Uncertain significance. Review status: criteria provided, multiple submitters, no conflicts (2 of 4 stars). 2 submissions from 2 submitters: Uncertain significance (2). Last evaluated 2025-11-26.

Allele frequency attached by ClinVar (database versions not stated): TOPMed 0.00001; gnomAD 0.00002; ExAC 0.00003; gnomAD exomes 0.00003 and 0.00006.
gnomAD v4.1: 45 of 1,614,084 alleles (0.0028%); highest among the groups gnomAD compares: Admixed American, 0.017%; no homozygotes.

Submissions (2):

Ambry Genetics
Classification: Uncertain significance. Last evaluated: 2025-11-26. Review status: criteria provided, single submitter. Criteria: Ambry Variant Classification Scheme 2023. Collection method: clinical testing. Allele origin: germline.

Labcorp Genetics (formerly Invitae), Labcorp
Classification: Uncertain significance. Last evaluated: 2025-09-16. Review status: criteria provided, single submitter. Criteria: Invitae Variant Classification Sherloc (09022015). Collection method: clinical testing. Allele origin: germline.
Comment: This sequence change replaces alanine, which is neutral and non-polar, with valine, which is neutral and non-polar, at codon 326 of the IRF4 protein (p.Ala326Val). This variant is present in population databases (rs201105575, gnomAD 0.03%). This variant has not been reported in the literature in individuals affected with IRF4-related conditions. ClinVar contains an entry for this variant (Variation ID: 1507843). An algorithm developed to predict the effect of missense changes on protein structure and function (PolyPhen-2) suggests that this variant is likely to be disruptive. In summary, the available evidence is currently insufficient to determine the role of this variant in disease. Therefore, it has been classified as a Variant of Uncertain Significance.

NM_002460.4(IRF4):c.977C>T (p.Ala326Val)

Gene: IRF4 (interferon regulatory factor 4; plus strand). Cytogenetic location: 6p25.3.
Variant type: single nucleotide variant.
Coding change: c.977C>T on transcript NM_002460.4 (MANE Select); coding-DNA position 977, C replaced by T.
Protein change: p.Ala326Val; replaces alanine 326 with valine.
Molecular consequence: missense variant. On other transcripts: non-coding transcript variant (1).
Genome position (GRCh38, 1-based): chr6:401,655, C>T. VCF-style: chr6-401655-C-T. GRCh37 (hg19) VCF-style: chr6-401655-C-T.
Other names: c.974C>T, p.Ala325Val (NM_001195286.2); c.977C>T (NM_002460.3); short protein forms A326V, A325V.
Identifiers: ClinVar variation 1507843 (VCV001507843.7), dbSNP rs201105575, ClinGen allele CA3612848.